The following is an entry in ClinVar:

NM_000439.5(PCSK1):c.1920C>T (p.Thr640=)

Genes: CAST (calpastatin; plus strand), PCSK1 (proprotein convertase subtilisin/kexin type 1; minus strand), LOC101929710 (uncharacterized LOC101929710; plus strand). Cytogenetic location: 5q15.
Variant type: single nucleotide variant.
Coding change: c.1920C>T on transcript NM_000439.5 (MANE Select); coding-DNA position 1920, C replaced by T.
Protein change: p.Thr640=; no amino-acid change (threonine 640 retained).
Molecular consequence: synonymous variant. On other transcripts: intron variant (11).
Genome position (GRCh38, 1-based): chr5:96,393,343, G>A on the plus strand (C>T on the coding strand, the complement: PCSK1 is on the minus strand). VCF-style: chr5-96393343-G-A. GRCh37 (hg19) VCF-style: chr5-95729047-G-A.
Other names: c.1779C>T, p.Thr593= (NM_001177875.2); c.-175+13691G>A (NM_001423254.1, NM_001423259.1, NM_001423255.1 and 6 more transcripts); c.-103+13691G>A (NM_001423253.1); c.-40+13691G>A (NM_001423258.1).
Identifiers: ClinVar variation 3354907 (VCV003354907.1).
Genomic context (GRCh38, chr5:96,393,343, plus strand): 5'-CTCCTCCAACTCATCCCTCCGGCCCCCTACGCTGCTGCTGCTGGGGCTTTTGGACACCAG[G>A]GTGTTCTCCTTAGGGTTCTCTTGTGTGGGCTGCTCCTAAAACATAGAATGCCATCCACAA-3'
Protein context (NP_000430.3, residues 630-650): QPTQENPKEN[Thr640=]LVSKSPSSSS

ClinVar aggregate classification (germline): Likely benign (0 of 4 stars; one submission).

Conditions:
PCSK1-related disorder. Also called: PCSK1-related condition.

gnomAD v4.1: 12 of 1,614,056 alleles (0.00074%); highest among the groups gnomAD compares: South Asian, 0.013%; no homozygotes.

Submission:

PreventionGenetics, part of Exact Sciences
Classification: Likely benign for PCSK1-related condition. Last evaluated: 2022-01-31. Review status: no assertion criteria provided. Collection method: clinical testing. Allele origin: germline.
Comment: This variant is classified as likely benign based on ACMG/AMP sequence variant interpretation guidelines (Richards et al. 2015 PMID: 25741868, with internal and published modifications).